The following is an entry in ClinVar:

NM_006785.4(MALT1):c.959A>G (p.Asp320Gly)

Gene: MALT1 (MALT1 paracaspase; plus strand). Cytogenetic location: 18q21.32.
Variant type: single nucleotide variant.
Coding change: c.959A>G on transcript NM_006785.4 (MANE Select); coding-DNA position 959, A replaced by G.
Protein change: p.Asp320Gly; replaces aspartic acid 320 with glycine.
Molecular consequence: missense variant.
Genome position (GRCh38, 1-based): chr18:58,714,083, A>G. VCF-style: chr18-58714083-A-G. GRCh37 (hg19) VCF-style: chr18-56381315-A-G.
Other names: c.926A>G, p.Asp309Gly (NM_173844.3); short protein forms D320G, D309G.
Identifiers: ClinVar variation 1371781 (VCV001371781.6), dbSNP rs762925433, ClinGen allele CA8977777.

ClinVar aggregate classification (germline): Uncertain significance. Review status: criteria provided, multiple submitters, no conflicts (2 of 4 stars). 2 submissions from 2 submitters: Uncertain significance (2). Last evaluated 2024-07-04.

Conditions:
Combined immunodeficiency due to MALT1 deficiency. Also called: Immunodeficiency 12. Identifiers: Orphanet 397964, MedGen C3809583, MONDO:0014197, OMIM 615468.

Allele frequency attached by ClinVar (database versions not stated): ExAC 0.00001; gnomAD 0.00001; gnomAD exomes 0.00001; TOPMed 0.00001.
gnomAD v4.1: 11 of 1,238,034 alleles (0.00089%); highest among the groups gnomAD compares: Non-Finnish European, 0.0012%; no homozygotes.

Submissions (2):

Blueprint Genetics
Classification: Uncertain significance. Last evaluated: 2024-07-04. Review status: criteria provided, single submitter. Criteria: ACMG Guidelines, 2015. Collection method: clinical testing. Allele origin: germline.

Labcorp Genetics (formerly Invitae), Labcorp
Classification: Uncertain significance for Combined immunodeficiency due to MALT1 deficiency. Last evaluated: 2024-03-04. Review status: criteria provided, single submitter. Criteria: Invitae Variant Classification Sherloc (09022015). Collection method: clinical testing. Allele origin: germline.
Comment: This sequence change replaces aspartic acid, which is acidic and polar, with glycine, which is neutral and non-polar, at codon 320 of the MALT1 protein (p.Asp320Gly). This variant is present in population databases (rs762925433, gnomAD 0.003%). This variant has not been reported in the literature in individuals affected with MALT1-related conditions. ClinVar contains an entry for this variant (Variation ID: 1371781). An algorithm developed to predict the effect of missense changes on protein structure and function (PolyPhen-2) suggests that this variant¬†is likely to be tolerated. In summary, the available evidence is currently insufficient to determine the role of this variant in disease. Therefore, it has been classified as a Variant of Uncertain Significance.